The following is an entry in ClinVar:

ClinVar aggregate classification (germline): Uncertain significance (1 of 4 stars; one submission).

Conditions:
Severe combined immunodeficiency due to LCK deficiency. Also called: Immunodeficiency 22. Identifiers: Orphanet 280142, MedGen C4014233, MONDO:0014334, OMIM 615758.

Allele frequency attached by ClinVar (database versions not stated): TOPMed below 0.00001.

Submission:

Labcorp Genetics (formerly Invitae), Labcorp
Classification: Uncertain significance for Severe combined immunodeficiency due to LCK deficiency. Last evaluated: 2022-07-18. Review status: criteria provided, single submitter. Criteria: Invitae Variant Classification Sherloc (09022015). Collection method: clinical testing. Allele origin: germline.
Comment: In summary, the available evidence is currently insufficient to determine the role of this variant in disease. Therefore, it has been classified as a Variant of Uncertain Significance. Algorithms developed to predict the effect of missense changes on protein structure and function are either unavailable or do not agree on the potential impact of this missense change (SIFT: "Deleterious"; PolyPhen-2: "Benign"; Align-GVGD: "Class C35"). ClinVar contains an entry for this variant (Variation ID: 1362283). This variant has not been reported in the literature in individuals affected with LCK-related conditions. This variant is not present in population databases (gnomAD no frequency). This sequence change replaces arginine, which is basic and polar, with glutamine, which is neutral and polar, at codon 196 of the LCK protein (p.Arg196Gln).

NM_005356.5(LCK):c.587G>A (p.Arg196Gln)

Gene: LCK (LCK proto-oncogene, Src family tyrosine kinase; plus strand). Cytogenetic location: 1p35.2.
Variant type: single nucleotide variant.
Coding change: c.587G>A on transcript NM_005356.5 (MANE Select); coding-DNA position 587, G replaced by A.
Protein change: p.Arg196Gln; replaces arginine 196 with glutamine.
Molecular consequence: missense variant.
Genome position (GRCh38, 1-based): chr1:32,276,019, G>A. VCF-style: chr1-32276019-G-A. GRCh37 (hg19) VCF-style: chr1-32741620-G-A.
Other names: c.587G>A, p.Arg196Gln (NM_001042771.3, NM_001330468.2); short protein forms R196Q.
Identifiers: ClinVar variation 1362283 (VCV001362283.6), dbSNP rs1640256111, ClinGen allele CA339638122.
Genomic context (GRCh38, chr1:32,276,019, plus strand): 5'-AGGTGGTGAAACATTACAAGATCCGTAATCTGGACAACGGTGGCTTCTACATCTCCCCTC[G>A]AATCACTTTTCCCGGCCTGCATGAACTGGTCCGCCATTACACCAGTGAGCCCGACGGGAC-3'
Protein context (NP_005347.3, residues 186-206): LDNGGFYISP[Arg196Gln]ITFPGLHELV